The following is an entry in ClinVar:

NM_025114.4(CEP290):c.93C>T (p.Ser31=)

Gene: CEP290 (centrosomal protein 290; minus strand). Cytogenetic location: 12q21.32.
Variant type: single nucleotide variant.
Coding change: c.93C>T on transcript NM_025114.4 (MANE Select); coding-DNA position 93, C replaced by T.
Protein change: p.Ser31=; no amino-acid change (serine 31 retained).
Molecular consequence: synonymous variant.
Genome position (GRCh38, 1-based): chr12:88,141,215, G>A on the plus strand (C>T on the coding strand, the complement: CEP290 is on the minus strand). VCF-style: chr12-88141215-G-A. GRCh37 (hg19) VCF-style: chr12-88534992-G-A.
Other names: c.93C>T (NM_025114.3).
Identifiers: ClinVar variation 1136945 (VCV001136945.12), dbSNP rs375955381, ClinGen allele CA6712918.

ClinVar aggregate classification (germline): Likely benign. Review status: criteria provided, multiple submitters, no conflicts (2 of 4 stars). 3 submissions from 3 submitters: Likely benign (2). 1 of the submissions does not count toward it. Last evaluated 2025-07-28.

Conditions:
Joubert syndrome. Also called: CEREBELLOPARENCHYMAL DISORDER IV; JOUBERT-BOLTSHAUSER SYNDROME; Familial aplasia of the vermis. Identifiers: Orphanet 475, MedGen C5979921, MONDO:0018772.
Nephronophthisis. Also called: Juvenile Nephronophthisis. Identifiers: Orphanet 655, MedGen C0687120, MONDO:0019005, HP:0000090.
Meckel-Gruber syndrome. Also called: DYSENCEPHALIA SPLANCHNOCYSTICA; GRUBER SYNDROME; Dysencephalia splachnocystica. Identifiers: Orphanet 564, MedGen C0265215, MONDO:0018921.
Joubert syndrome 5 (JBTS5). Identifiers: Orphanet 2318, MedGen C1857780, MONDO:0012432, OMIM 610188.
Bardet-Biedl syndrome 14 (BBS14). Identifiers: Orphanet 110, MedGen C2673874, MONDO:0014442, OMIM 615991.
Senior-Loken syndrome 6 (SLSN6). Identifiers: Orphanet 3156, MedGen C1857779, MONDO:0012433, OMIM 610189.
Leber congenital amaurosis 10 (LCA10). Identifiers: Orphanet 65, MedGen C1857821, MONDO:0012723, OMIM 611755.
Meckel syndrome, type 4 (MKS4). Also called: MECKEL-GRUBER SYNDROME, TYPE 4. Identifiers: Orphanet 564, MedGen C1970161, MONDO:0012626, OMIM 611134.
CEP290-related disorder. Also called: CEP290-related disorders; CEP290-related condition. Identifiers: MedGen CN239314.

Allele frequency attached by ClinVar (database versions not stated): gnomAD exomes 0.00001 and 0.00003; ExAC 0.00003; gnomAD 0.00010 and 0.00011; TOPMed 0.00012; ESP Exome Variant Server 0.00017.
gnomAD v4.1: 27 of 1,607,410 alleles (0.0017%); highest among the groups gnomAD compares: African/African-American, 0.033%; no homozygotes.

Submissions (3):

Labcorp Genetics (formerly Invitae), Labcorp
Classification: Likely benign for Joubert syndrome; Meckel-Gruber syndrome; Nephronophthisis. Last evaluated: 2025-07-28. Review status: criteria provided, single submitter. Criteria: Invitae Variant Classification Sherloc (09022015). Collection method: clinical testing. Allele origin: germline.

Fulgent Genetics
Classification: Likely benign for Joubert syndrome 5; Senior-Loken syndrome 6; Meckel syndrome, type 4; Leber congenital amaurosis 10; Bardet-Biedl syndrome 14. Last evaluated: 2022-05-06. Review status: criteria provided, single submitter. Criteria: ACMG Guidelines, 2015. Collection method: clinical testing. Allele origin: unknown.

PreventionGenetics, part of Exact Sciences
Classification: Likely benign for CEP290-related condition. Last evaluated: 2021-03-09. Review status: no assertion criteria provided. Collection method: clinical testing. Allele origin: germline. Not counted in ClinVar's aggregate classification.
Comment: This variant is classified as likely benign based on ACMG/AMP sequence variant interpretation guidelines (Richards et al. 2015 PMID: 25741868, with internal and published modifications).